The following is an entry in ClinVar:

NM_001440.4(EXTL3):c.64C>T (p.Arg22Cys)

Gene: EXTL3 (exostosin like glycosyltransferase 3; plus strand). Cytogenetic location: 8p21.1.
Variant type: single nucleotide variant.
Coding change: c.64C>T on transcript NM_001440.4 (MANE Select); coding-DNA position 64, C replaced by T.
Protein change: p.Arg22Cys; replaces arginine 22 with cysteine.
Molecular consequence: missense variant.
Genome position (GRCh38, 1-based): chr8:28,716,123, C>T. VCF-style: chr8-28716123-C-T. GRCh37 (hg19) VCF-style: chr8-28573640-C-T.
Other names: short protein forms R22C.
Identifiers: ClinVar variation 1487985 (VCV001487985.6), dbSNP rs754077651, ClinGen allele CA4695922.
Genomic context (GRCh38, chr8:28,716,123, plus strand): 5'-ACAGGCTATACCATGCTGCGGAATGGGGGCGCGGGGAACGGAGGTCAGACCTGCATGCTG[C>T]GCTGGTCCAACCGCATCCGCCTCACGTGGCTCAGCTTCACGCTCTTTGTCATCCTGGTCT-3'
Protein context (NP_001431.1, residues 12-32): AGNGGQTCML[Arg22Cys]WSNRIRLTWL

ClinVar aggregate classification (germline): Uncertain significance (1 of 4 stars; one submission).

Allele frequency attached by ClinVar (database versions not stated): TOPMed below 0.00001; ExAC 0.00001; gnomAD 0.00001; gnomAD exomes 0.00001 and 0.00002.
gnomAD v4.1: 20 of 1,613,566 alleles (0.0012%); highest among the groups gnomAD compares: East Asian, 0.0045%; no homozygotes.

Submission:

Labcorp Genetics (formerly Invitae), Labcorp
Classification: Uncertain significance. Last evaluated: 2023-10-13. Review status: criteria provided, single submitter. Criteria: Invitae Variant Classification Sherloc (09022015). Collection method: clinical testing. Allele origin: germline.
Comment: This sequence change replaces arginine, which is basic and polar, with cysteine, which is neutral and slightly polar, at codon 22 of the EXTL3 protein (p.Arg22Cys). This variant is present in population databases (rs754077651, gnomAD 0.008%). This variant has not been reported in the literature in individuals affected with EXTL3-related conditions. ClinVar contains an entry for this variant (Variation ID: 1487985). Advanced modeling of protein sequence and biophysical properties (such as structural, functional, and spatial information, amino acid conservation, physicochemical variation, residue mobility, and thermodynamic stability) performed at Invitae indicates that this missense variant is not expected to disrupt EXTL3 protein function. In summary, the available evidence is currently insufficient to determine the role of this variant in disease. Therefore, it has been classified as a Variant of Uncertain Significance.